The following is an entry in ClinVar:

ClinVar aggregate classification (germline): Likely benign. Review status: criteria provided, multiple submitters, no conflicts (2 of 4 stars). 2 submissions from 2 submitters: Likely benign (2). Last evaluated 2026-01-06.

Conditions:
PEX1-related disorder. Also called: PEX1-related condition.
Zellweger spectrum disorders (ZS). Also called: Zellweger syndrome; Zellweger Spectrum Disorder; Zellweger Spectrum; Zellweger Spectrum Disorder (ZSD). Identifiers: Orphanet 912, MedGen C0043459, MONDO:0019609.

Allele frequency attached by ClinVar (database versions not stated): gnomAD 0.00001 and 0.00002; gnomAD exomes 0.00002 and 0.00003; ExAC 0.00003; TOPMed 0.00003; ESP Exome Variant Server 0.00008.
gnomAD v4.1: 41 of 1,592,620 alleles (0.0026%); highest among the groups gnomAD compares: Non-Finnish European, 0.0033%; no homozygotes.

Submissions (2):

PreventionGenetics, part of Exact Sciences
Classification: Likely benign for PEX1-related condition. Last evaluated: 2026-01-06. Review status: criteria provided, single submitter. Criteria: ACMG Guidelines, 2015. Collection method: clinical testing. Allele origin: germline.
Comment: This variant is classified as likely benign based on ACMG/AMP sequence variant interpretation guidelines (Richards et al. 2015 PMID: 25741868, with internal and published modifications).

Labcorp Genetics (formerly Invitae), Labcorp
Classification: Likely benign for Zellweger spectrum disorders. Last evaluated: 2024-02-27. Review status: criteria provided, single submitter. Criteria: Invitae Variant Classification Sherloc (09022015). Collection method: clinical testing. Allele origin: germline.

NM_000466.3(PEX1):c.3801A>G (p.Lys1267=)

Genes: GATAD1 (GATA zinc finger domain containing 1; plus strand), PEX1 (peroxisomal biogenesis factor 1; minus strand). Cytogenetic location: 7q21.2.
Variant type: single nucleotide variant.
Coding change: c.3801A>G on transcript NM_000466.3 (MANE Select); coding-DNA position 3801, A replaced by G.
Protein change: p.Lys1267=; no amino-acid change (lysine 1267 retained).
Molecular consequence: synonymous variant.
Genome position (GRCh38, 1-based): chr7:92,487,508, T>C on the plus strand (A>G on the coding strand, the complement: PEX1 is on the minus strand). VCF-style: chr7-92487508-T-C. GRCh37 (hg19) VCF-style: chr7-92116822-T-C.
Other names: c.3801A>G (NM_000466.2); c.3630A>G, p.Lys1210= (NM_001282677.2); c.3177A>G, p.Lys1059= (NM_001282678.2).
Identifiers: ClinVar variation 1149803 (VCV001149803.10), dbSNP rs375758017, ClinGen allele CA4340722.